The following is an entry in ClinVar:

ClinVar aggregate classification (germline): Uncertain significance. Review status: criteria provided, multiple submitters, no conflicts (2 of 4 stars). 2 submissions from 2 submitters: Uncertain significance (2). Last evaluated 2026-07-03.

Conditions:
Inborn genetic diseases. Identifiers: MedGen C0950123, MeSH D030342.

gnomAD v4.1: 18 of 1,551,938 alleles (0.0012%); highest among the groups gnomAD compares: Non-Finnish European, 0.0015%; no homozygotes.

Submissions (2):

Ambry Genetics
Classification: Uncertain significance for Inborn genetic diseases. Last evaluated: 2026-07-03. Review status: criteria provided, single submitter. Criteria: Ambry Variant Classification Scheme 2023. Collection method: clinical testing. Allele origin: germline.
Comment: The c.1093G>A (p.D365N) alteration is located in exon 8 (coding exon 8) of the TSEN54 gene. This alteration results from a G to A substitution at nucleotide position 1093, causing the aspartic acid (D) at amino acid position 365 to be replaced by an asparagine (N). Based on data from gnomAD, the A allele has an overall frequency of 0.029% (9/31362) total alleles studied. The highest observed frequency was 0.058% (9/15410) of European (non-Finnish) alleles. Based on insufficient or conflicting evidence, the clinical significance of this alteration remains unclear.

Labcorp Genetics (formerly Invitae), Labcorp
Classification: Uncertain significance. Last evaluated: 2024-03-16. Review status: criteria provided, single submitter. Criteria: Invitae Variant Classification Sherloc (09022015). Collection method: clinical testing. Allele origin: germline.
Comment: This sequence change replaces aspartic acid, which is acidic and polar, with asparagine, which is neutral and polar, at codon 365 of the TSEN54 protein (p.Asp365Asn). This variant is present in population databases (no rsID available, gnomAD 0.06%). This variant has not been reported in the literature in individuals affected with TSEN54-related conditions. Advanced modeling of protein sequence and biophysical properties (such as structural, functional, and spatial information, amino acid conservation, physicochemical variation, residue mobility, and thermodynamic stability) performed at Invitae indicates that this missense variant is not expected to disrupt TSEN54 protein function with a negative predictive value of 80%. In summary, the available evidence is currently insufficient to determine the role of this variant in disease. Therefore, it has been classified as a Variant of Uncertain Significance.

NM_207346.3(TSEN54):c.1093G>A (p.Asp365Asn)

Gene: TSEN54 (tRNA splicing endonuclease subunit 54; plus strand). Cytogenetic location: 17q25.1.
Variant type: single nucleotide variant.
Coding change: c.1093G>A on transcript NM_207346.3 (MANE Select); coding-DNA position 1093, G replaced by A.
Protein change: p.Asp365Asn; replaces aspartic acid 365 with asparagine.
Molecular consequence: missense variant.
Genome position (GRCh38, 1-based): chr17:75,522,174, G>A. VCF-style: chr17-75522174-G-A. GRCh37 (hg19) VCF-style: chr17-73518255-G-A.
Other names: c.1093G>A (NM_207346.2); short protein forms D365N.
Identifiers: ClinVar variation 3696901 (VCV003696901.3).